The following is an entry in ClinVar:

ClinVar aggregate classification (germline): Uncertain significance. Review status: criteria provided, multiple submitters, no conflicts (2 of 4 stars). 2 submissions from 2 submitters: Uncertain significance (2). Last evaluated 2023-03-30.

Conditions:
Dyskeratosis congenita. Identifiers: Orphanet 1775, MedGen C0265965, MONDO:0015780.

Allele frequency attached by ClinVar (database versions not stated): gnomAD exomes below 0.00001.
gnomAD v4.1: 3 of 1,612,870 alleles (0.00019%); highest among the groups gnomAD compares: Non-Finnish European, 0.00025%; no homozygotes.

Submissions (2):

Labcorp Genetics (formerly Invitae), Labcorp
Classification: Uncertain significance for Dyskeratosis congenita. Last evaluated: 2023-03-30. Review status: criteria provided, single submitter. Criteria: Invitae Variant Classification Sherloc (09022015). Collection method: clinical testing. Allele origin: germline.
Comment: This sequence change replaces alanine, which is neutral and non-polar, with proline, which is neutral and non-polar, at codon 124 of the TINF2 protein (p.Ala124Pro). This variant is not present in population databases (gnomAD no frequency). This variant has not been reported in the literature in individuals affected with TINF2-related conditions. ClinVar contains an entry for this variant (Variation ID: 1377187). An algorithm developed to predict the effect of missense changes on protein structure and function (PolyPhen-2) suggests that this variant is likely to be tolerated. In summary, the available evidence is currently insufficient to determine the role of this variant in disease. Therefore, it has been classified as a Variant of Uncertain Significance.

Sema4
Classification: Uncertain significance for Dyskeratosis congenita. Last evaluated: 2021-12-23. Review status: criteria provided, single submitter. Criteria: Sema4 Curation Guidelines. Collection method: curation. Allele origin: germline.
Comment: To the best of our knowledge, the TINF2 c.370G>C (p.A124P) variant has not been reported in individuals with TINF2-related disease. This variant is not reported in the population database Genome Aggregation Database (PMID: 32461654). This variant has not been reported in ClinVar. In silico tools suggest the impact of the variant on protein function is benign, though these predictions have not been confirmed by functional studies. The evidence is insufficient to meet ACMG/AMP criteria for classifying the variant as benign or pathogenic. Thus, the clinical significance of this variant is currently uncertain.

NM_001099274.3(TINF2):c.370G>C (p.Ala124Pro)

Gene: TINF2 (TERF1 interacting nuclear factor 2; minus strand). Cytogenetic location: 14q12.
Variant type: single nucleotide variant.
Coding change: c.370G>C on transcript NM_001099274.3 (MANE Select); coding-DNA position 370, G replaced by C.
Protein change: p.Ala124Pro; replaces alanine 124 with proline.
Molecular consequence: missense variant.
Genome position (GRCh38, 1-based): chr14:24,241,704, C>G on the plus strand (G>C on the coding strand, the complement: TINF2 is on the minus strand). VCF-style: chr14-24241704-C-G. GRCh37 (hg19) VCF-style: chr14-24710910-C-G.
Other names: c.265G>C, p.Ala89Pro (NM_001363668.2); c.370G>C, p.Ala124Pro (NM_012461.3); short protein forms A89P, A124P.
Identifiers: ClinVar variation 1377187 (VCV001377187.9), dbSNP rs2040583306, ClinGen allele CA389232851.